The following is an entry in ClinVar:

ClinVar aggregate classification (germline): Likely pathogenic (1 of 4 stars; one submission).

Conditions:
Congenital lactic acidosis, Saguenay-Lac-Saint-Jean type (MC4DN5). Also called: CYTOCHROME c OXIDASE DEFICIENCY, FRENCH CANADIAN TYPE; COX DEFICIENCY, FRENCH CANADIAN TYPE; MITOCHONDRIAL COMPLEX IV DEFICIENCY, NUCLEAR TYPE 5. Identifiers: Orphanet 70472, MedGen C1857355, MONDO:0009069, OMIM 220111.

Submission:

Myriad Genetics, Inc.
Classification: Likely pathogenic for Congenital lactic acidosis, Saguenay-Lac-Saint-Jean type. Last evaluated: 2022-04-29. Review status: criteria provided, single submitter. Criteria: Myriad Women's Health Autosomal Recessive and X-Linked Classification Criteria (2021). Collection method: clinical testing. Allele origin: unknown.
Comment: NM_133259.3(LRPPRC):c.92delC(P31Rfs*23) is expected to be pathogenic in the context of Leigh syndrome, French-Canadian type. This variant is predicted to lead to an abnormal or absent protein product due to the creation of a premature termination codon in LRPPRC, a gene where loss-of-function variants are known to be pathogenic. Please note: this variant was assessed in the context of healthy population screening.

NM_133259.4(LRPPRC):c.92del (p.Pro31fs)

Gene: LRPPRC (leucine rich pentatricopeptide repeat containing; minus strand). Cytogenetic location: 2p21.
Variant type: Deletion.
Coding change: c.92del on transcript NM_133259.4 (MANE Select); coding-DNA position 92, one base deleted (C; older notation c.92delC).
Protein change: p.Pro31fs; shifts the reading frame from proline 31.
Molecular consequence: frameshift variant.
Genome position (GRCh38, 1-based): chr2:43,995,856, G deleted on the plus strand (C on the coding strand, the reverse complement: LRPPRC is on the minus strand); the first of 3 consecutive G bases (chr2:43,995,856-43,995,858); deleting any one gives the same sequence. VCF-style (leftmost placement, unchanged base first): chr2-43995855-CG-C. GRCh37 (hg19) VCF-style: chr2-44222994-CG-C.
Other names: short protein forms P31fs.
Identifiers: ClinVar variation 1725972 (VCV001725972.2), dbSNP rs2465900713, ClinGen allele CA2580066517.
Genomic context (GRCh38, chr2:43,995,855, plus strand): 5'-TCACCCGGCCACGGGCCCGGCGCGAGCGGCGGGCAGATAGGAGGCGGCATGCAGCCGGCC[CG>C]GGCCGCCAGGGAGGAGGCGCAGGGAGAGCGGGAGGCGCGGGGCCGCCCCGGCACGCAGCA-3'